The following is an entry in ClinVar:

ClinVar aggregate classification (germline): Likely benign. Review status: criteria provided, multiple submitters, no conflicts (2 of 4 stars). 3 submissions from 3 submitters: Likely benign (3). Last evaluated 2025-07-28.

Conditions:
Ehlers-Danlos syndrome, type 4 (EDSVASC). Also called: Ehlers-Danlos Syndrome Type IV; Ehlers-Danlos syndrome vascular type; Ehlers Danlos syndrome, ecchymotic type; Ehlers Danlos syndrome, arterial type; Ehlers Danlos syndrome, Sack-Barabas type. Identifiers: Orphanet 286, MedGen C0268338, MONDO:0017314, OMIM 130050.
Familial thoracic aortic aneurysm and aortic dissection (TAAD). Also called: Thoracic aortic aneurysms and dissections. Identifiers: Orphanet 91387, MedGen C4707243, MONDO:0019625.

Allele frequency attached by ClinVar (database versions not stated): gnomAD exomes below 0.00001; ExAC 0.00001.
gnomAD v4.1: 3 of 1,614,114 alleles (0.00019%); highest among the groups gnomAD compares: Non-Finnish European, 0.00025%; no homozygotes.

Submissions (3):

Labcorp Genetics (formerly Invitae), Labcorp
Classification: Likely benign for Ehlers-Danlos syndrome, type 4. Last evaluated: 2025-07-28. Review status: criteria provided, single submitter. Criteria: Invitae Variant Classification Sherloc (09022015). Collection method: clinical testing. Allele origin: germline.

All of Us Research Program, National Institutes of Health
Classification: Likely benign for Ehlers-Danlos syndrome, type 4. Last evaluated: 2023-03-04. Review status: criteria provided, single submitter. Criteria: ACMG Guidelines, 2015. Collection method: clinical testing. Allele origin: germline. Inheritance: Autosomal dominant inheritance. Observed: 1 variant allele, 1 heterozygote.
Comment: This study involves interpretation of variants in research participants for the purpose of population health screening. Participant phenotype was not available at the time of variant classification. Additional details can be found in publication PMID: 35346344, PMCID: PMC8962531

Color Diagnostics, LLC DBA Color Health
Classification: Likely benign for Familial thoracic aortic aneurysm and aortic dissection. Last evaluated: 2019-06-18. Review status: criteria provided, single submitter. Criteria: ACMG Guidelines, 2015. Collection method: clinical testing. Allele origin: germline.

NM_000090.4(COL3A1):c.2373T>C (p.Ala791=)

Genes: COL3A1 (collagen type III alpha 1 chain; plus strand), LOC126806446 (P300/CBP strongly-dependent group 1 enhancer GRCh37_chr2:189866210-189867409; plus strand). Cytogenetic location: 2q32.2.
Variant type: single nucleotide variant.
Coding change: c.2373T>C on transcript NM_000090.4 (MANE Select); coding-DNA position 2373, T replaced by C.
Protein change: p.Ala791=; no amino-acid change (alanine 791 retained).
Molecular consequence: synonymous variant.
Genome position (GRCh38, 1-based): chr2:189,001,571, T>C. VCF-style: chr2-189001571-T-C. GRCh37 (hg19) VCF-style: chr2-189866297-T-C.
Identifiers: ClinVar variation 923887 (VCV000923887.8), dbSNP rs200452382, ClinGen allele CA075254.